The following is an entry in ClinVar:

NM_000233.4(LHCGR):c.947+1G>C

Genes: LHCGR (luteinizing hormone/choriogonadotropin receptor; minus strand), STON1-GTF2A1L (STON1-GTF2A1L readthrough; plus strand). Cytogenetic location: 2p16.3.
Variant type: single nucleotide variant.
Coding change: c.947+1G>C on transcript NM_000233.4 (MANE Select); the canonical splice donor site of the intron after coding-DNA position 947, G replaced by C.
Molecular consequence: splice donor variant. On other transcripts: intron variant (1).
Genome position (GRCh38, 1-based): chr2:48,694,223, C>G on the plus strand (G>C on the coding strand, the complement: LHCGR is on the minus strand). VCF-style: chr2-48694223-C-G. GRCh37 (hg19) VCF-style: chr2-48921362-C-G.
Other names: c.3441+22543C>G (NM_001198593.2).
Identifiers: ClinVar variation 4727123 (VCV004727123.1).

ClinVar aggregate classification (germline): Pathogenic (1 of 4 stars; one submission).

gnomAD v4.1: 1 of 1,519,912 alleles (0.000066%); highest among the groups gnomAD compares: South Asian, 0.0011%; no homozygotes.

Submission:

Labcorp Genetics (formerly Invitae), Labcorp
Classification: Pathogenic. Last evaluated: 2025-09-18. Review status: criteria provided, single submitter. Criteria: Invitae Variant Classification Sherloc (09022015). Collection method: clinical testing. Allele origin: germline.
Comment: This sequence change affects a donor splice site in intron 10 of the LHCGR gene. While this variant is not anticipated to result in nonsense mediated decay, it likely alters RNA splicing and results in a disrupted protein product. This variant is not present in population databases (gnomAD no frequency). This variant has not been reported in the literature in individuals affected with LHCGR-related conditions. Variants that disrupt the consensus splice site are a relatively common cause of aberrant splicing (PMID: 17576681, 9536098). Algorithms developed to predict the effect of sequence changes on RNA splicing suggest that this variant may disrupt the consensus splice site. This variant disrupts a region of the LHCGR protein in which other variant(s) (p.Arg479*) have been determined to be pathogenic (PMID: 27016457, 33948188). This suggests that this is a clinically significant region of the protein, and that variants that disrupt it are likely to be disease-causing. For these reasons, this variant has been classified as Pathogenic.

Literature cited by the submitters: PubMed 17576681; PubMed 9536098; PubMed 27016457; PubMed 33948188.